The following is an entry in ClinVar:

NM_002386.4(MC1R):c.810C>G (p.His270Gln)

Gene: MC1R (melanocortin 1 receptor; plus strand). Cytogenetic location: 16q24.3.
Variant type: single nucleotide variant.
Coding change: c.810C>G on transcript NM_002386.4 (MANE Select); coding-DNA position 810, C replaced by G.
Protein change: p.His270Gln; replaces histidine 270 with glutamine.
Molecular consequence: missense variant.
Genome position (GRCh38, 1-based): chr16:89,920,068, C>G. VCF-style: chr16-89920068-C-G. GRCh37 (hg19) VCF-style: chr16-89986476-C-G.
Other names: short protein forms H270Q.
Identifiers: ClinVar variation 4052422 (VCV004052422.1).

ClinVar aggregate classification (germline): Uncertain significance (1 of 4 stars; one submission).

Submission:

Ambry Genetics
Classification: Uncertain significance. Last evaluated: 2025-04-21. Review status: criteria provided, single submitter. Criteria: Ambry Variant Classification Scheme 2023. Collection method: clinical testing. Allele origin: germline.
Comment: The p.H270Q variant (also known as c.810C>G), located in coding exon 1 of the MC1R gene, results from a C to G substitution at nucleotide position 810. The histidine at codon 270 is replaced by glutamine, an amino acid with highly similar properties. This amino acid position is conserved. In addition, this alteration is predicted to be tolerated by in silico analysis. Based on the available evidence, the clinical significance of this variant remains unclear.